The following is an entry in ClinVar:

ClinVar aggregate classification (germline): Uncertain significance (1 of 4 stars; one submission).

Conditions:
Microcephaly-intellectual disability-sensorineural hearing loss-epilepsy-abnormal muscle tone syndrome (NEDHSB). Also called: NEURODEVELOPMENTAL DISORDER WITH HEARING LOSS, SEIZURES, AND BRAIN ABNORMALITIES. Identifiers: Orphanet 457351, MedGen C4225276, MONDO:0014698, OMIM 616577.

Submission:

Labcorp Genetics (formerly Invitae), Labcorp
Classification: Uncertain significance for Microcephaly-intellectual disability-sensorineural hearing loss-epilepsy-abnormal muscle tone syndrome. Last evaluated: 2025-08-15. Review status: criteria provided, single submitter. Criteria: Invitae Variant Classification Sherloc (09022015). Collection method: clinical testing. Allele origin: germline.
Comment: This sequence change replaces alanine, which is neutral and non-polar, with glycine, which is neutral and non-polar, at codon 30 of the SPATA5 protein (p.Ala30Gly). This variant is not present in population databases (gnomAD no frequency). This variant has not been reported in the literature in individuals affected with SPATA5-related conditions. ClinVar contains an entry for this variant (Variation ID: 1500837). Invitae Evidence Modeling of protein sequence and biophysical properties (such as structural, functional, and spatial information, amino acid conservation, physicochemical variation, residue mobility, and thermodynamic stability) indicates that this missense variant is not expected to disrupt SPATA5 protein function with a negative predictive value of 95%. In summary, the available evidence is currently insufficient to determine the role of this variant in disease. Therefore, it has been classified as a Variant of Uncertain Significance.

NM_145207.3(AFG2A):c.89C>G (p.Ala30Gly)

Gene: AFG2A (AAA ATPase AFG2A; plus strand). Cytogenetic location: 4q28.1.
Variant type: single nucleotide variant.
Coding change: c.89C>G on transcript NM_145207.3 (MANE Select); coding-DNA position 89, C replaced by G.
Protein change: p.Ala30Gly; replaces alanine 30 with glycine.
Molecular consequence: missense variant.
Genome position (GRCh38, 1-based): chr4:122,923,231, C>G. VCF-style: chr4-122923231-C-G. GRCh37 (hg19) VCF-style: chr4-123844386-C-G.
Other names: c.89C>G, p.Ala30Gly (NM_001317799.2, NM_001345856.2); short protein forms A30G.
Identifiers: ClinVar variation 1500837 (VCV001500837.7), dbSNP rs1251932014, ClinGen allele CA358097205.